The following is an entry in ClinVar:

ClinVar aggregate classification (germline): Uncertain significance (1 of 4 stars; one submission).

Allele frequency attached by ClinVar (database versions not stated): gnomAD 0.00001; TOPMed 0.00001; 1000 Genomes Project 30x 0.00016; 1000 Genomes Project 0.00020.
gnomAD v4.1: 11 of 1,614,136 alleles (0.00068%); highest among the groups gnomAD compares: East Asian, 0.0022%; no homozygotes.

Submission:

Labcorp Genetics (formerly Invitae), Labcorp
Classification: Uncertain significance. Last evaluated: 2023-06-17. Review status: criteria provided, single submitter. Criteria: Invitae Variant Classification Sherloc (09022015). Collection method: clinical testing. Allele origin: germline.
Comment: An algorithm developed to predict the effect of missense changes on protein structure and function (PolyPhen-2) suggests that this variant is likely to be disruptive. In summary, the available evidence is currently insufficient to determine the role of this variant in disease. Therefore, it has been classified as a Variant of Uncertain Significance. This variant has not been reported in the literature in individuals affected with KIF20A-related conditions. This variant is present in population databases (rs144942820, gnomAD 0.007%). This sequence change replaces arginine, which is basic and polar, with histidine, which is basic and polar, at codon 414 of the KIF20A protein (p.Arg414His).

NM_005733.3(KIF20A):c.1241G>A (p.Arg414His)

Gene: KIF20A (kinesin family member 20A; plus strand). Cytogenetic location: 5q31.2.
Variant type: single nucleotide variant.
Coding change: c.1241G>A on transcript NM_005733.3 (MANE Select); coding-DNA position 1241, G replaced by A.
Protein change: p.Arg414His; replaces arginine 414 with histidine.
Molecular consequence: missense variant.
Genome position (GRCh38, 1-based): chr5:138,183,994, G>A. VCF-style: chr5-138183994-G-A. GRCh37 (hg19) VCF-style: chr5-137519683-G-A.
Other names: short protein forms R414H.
Identifiers: ClinVar variation 2894064 (VCV002894064.3), dbSNP rs144942820, ClinGen allele CA3426554.